The following continues an entry in ClinVar:

NM_000152.5(GAA):c.-32-13T>G

Gene: GAA. ClinVar aggregate classification (germline): Pathogenic. Pathogenic (1).

Submissions 75 to 77 of 77:

Joint Genome Diagnostic Labs from Nijmegen and Maastricht, Radboudumc and MUMC+
Classification: Pathogenic. Review status: no assertion criteria provided. Collection method: clinical testing. Allele origin: germline. Affected: yes. Study: VKGL Data-share Consensus. Not counted in ClinVar's aggregate classification.

Laboratorio de Medicina Genomica, Hospital General de Culiacan
Classification: Pathogenic for Glycogen storage disease, type II. Review status: no assertion criteria provided. Collection method: clinical testing. Allele origin: germline. Affected: yes. Not counted in ClinVar's aggregate classification.
Comment: Dyspnea on exertion, difficulty in both genuflection and climbing stairs, progressive muscle weakness in pelvic area, amyotrophy, hyperflexia, early fatigue, myalgias and cramps, Gowers sign were observed in all siblings, while weakness in arms, scapula alata and progresive muscle weakness in scapula area were observed in males only.

It's possible that transmission ratio distortion is involved because a deviation of Mendel's second law is evident, but it's difficult to test because more evidence would be needed: a larger geneology (more family evidence across several generations), some genetics, etc.

Laboratory of Diagnostic Genome Analysis, Leiden University Medical Center (LUMC)
Classification: Pathogenic. Review status: no assertion criteria provided. Collection method: clinical testing. Allele origin: germline. Affected: yes. Study: VKGL Data-share Consensus. Not counted in ClinVar's aggregate classification.

Literature cited by the submitters: PubMed 37907381 (cited by OLLIN Analises Genomicas, OLLIN); PubMed 20301438 (cited by 4 submitters); PubMed 31342611 (cited by OLLIN Analises Genomicas, OLLIN); PubMed 17210890 (cited by 10 submitters); PubMed 7717400 (cited by 9 submitters); PubMed 8817337 (cited by OLLIN Analises Genomicas, OLLIN); PubMed 24150945 (cited by 10 submitters); PubMed 28624228 (cited by OLLIN Analises Genomicas, OLLIN); PubMed 28629821 (cited by OLLIN Analises Genomicas, OLLIN and Genomenon, Inc); PubMed 31301153 (cited by OLLIN Analises Genomicas, OLLIN and Genomenon, Inc); PubMed 32317649 (cited by OLLIN Analises Genomicas, OLLIN); PubMed 33426149 (cited by OLLIN Analises Genomicas, OLLIN and Genomenon, Inc); PubMed 36401034 (cited by OLLIN Analises Genomicas, OLLIN); PubMed 33560568 (cited by OLLIN Analises Genomicas, OLLIN); PubMed 37352859 (cited by OLLIN Analises Genomicas, OLLIN); PubMed 27189384 (cited by 4 submitters); PubMed 7881425 (cited by 15 submitters); PubMed 25673129 (cited by OLLIN Analises Genomicas, OLLIN); PubMed 26231297 (cited by 8 submitters); PubMed 34405923 (cited by OLLIN Analises Genomicas, OLLIN); PubMed 39731073 (cited by Genomenon, Inc); PubMed 37958907 (cited by Genomenon, Inc); PubMed 33168984 (cited by Genomenon, Inc); PubMed 33188503 (cited by Genomenon, Inc); PubMed 32012848 (cited by Genomenon, Inc and OMIM); PubMed 18285536 (cited by Genomenon, Inc); PubMed 16917947 (cited by 9 submitters); PubMed 25681614 (cited by Genomenon, Inc); PubMed 34606154 (cited by Genomenon, Inc); PubMed 25758767 (cited by Genomenon, Inc); PubMed 25243733 (cited by Genomenon, Inc); PubMed 24590251 (cited by 4 submitters); PubMed 21439876 (cited by 4 submitters); PubMed 22613277 (cited by 3 submitters); PubMed 24245577 (cited by 4 submitters); PubMed 2510307 (cited by Labcorp Genetics (formerly Invitae), Labcorp); PubMed 29880332 (cited by Natera, Inc.); PubMed 21109266 (cited by Women's Health and Genetics/Laboratory Corporation of America, LabCorp and AiLife Diagnostics); PubMed 14695532 (cited by 3 submitters); PubMed 22676651 (cited by Clinical Omics and Informatics (COIN) Unit, Neuroscience Institute, University Of Cape Town and Laboratorio de Medicina Genomica, Hospital General de Culiacan); 24150945 (cited by Rady Children's Institute for Genomic Medicine, Rady Children's Hospital San Diego); 7881425 (cited by Rady Children's Institute for Genomic Medicine, Rady Children's Hospital San Diego); 16917947 (cited by Rady Children's Institute for Genomic Medicine, Rady Children's Hospital San Diego); 27649523 (cited by Rady Children's Institute for Genomic Medicine, Rady Children's Hospital San Diego); 26231297 (cited by Rady Children's Institute for Genomic Medicine, Rady Children's Hospital San Diego); 20301438 (cited by Rady Children's Institute for Genomic Medicine, Rady Children's Hospital San Diego); 28624228 (cited by Rady Children's Institute for Genomic Medicine, Rady Children's Hospital San Diego); PubMed 18425781 (cited by Genetics and Molecular Pathology, SA Pathology); PubMed 24510945 (cited by Genetics and Molecular Pathology, SA Pathology); PubMed 24008051 (cited by Laboratory for Molecular Medicine, Mass General Brigham Personalized Medicine); PubMed 25356970 (cited by Laboratory for Molecular Medicine, Mass General Brigham Personalized Medicine); PubMed 17616415 (cited by 3 submitters); PubMed 8558570 (cited by Laboratory for Molecular Medicine, Mass General Brigham Personalized Medicine and Dasa); PubMed 26800218 (cited by AiLife Diagnostics); PubMed 25846667 (cited by AiLife Diagnostics); PubMed 28032299 (cited by AiLife Diagnostics); PubMed 21228398 (cited by AiLife Diagnostics); PubMed 25103075 (cited by AiLife Diagnostics); PubMed 21967859 (cited by AiLife Diagnostics); PubMed 29326002 (cited by AiLife Diagnostics); PubMed 30827497 (cited by AiLife Diagnostics); PubMed 23417379 (cited by AiLife Diagnostics); PubMed 31980526 (cited by AiLife Diagnostics); PubMed 32071926 (cited by AiLife Diagnostics); PubMed 22595200 (cited by AiLife Diagnostics and Myriad Genetics, Inc.); PubMed 31086307 (cited by AiLife Diagnostics); PubMed 16531044 (cited by AiLife Diagnostics and Dasa); PubMed 8990003 (cited by AiLife Diagnostics and OMIM); PubMed 31676142 (cited by AiLife Diagnostics); PubMed 22975760 (cited by AiLife Diagnostics); PubMed 29181627 (cited by AiLife Diagnostics); PubMed 27170567 (cited by AiLife Diagnostics and Illumina Laboratory Services, Illumina); PubMed 30564623 (cited by AiLife Diagnostics); PubMed 30314719 (cited by AiLife Diagnostics); PubMed 27460347 (cited by AiLife Diagnostics); PubMed 28951071 (cited by AiLife Diagnostics); PubMed 27708273 (cited by AiLife Diagnostics); PubMed 24158270 (cited by 3 submitters); PubMed 24844452 (cited by AiLife Diagnostics); PubMed 15986226 (cited by AiLife Diagnostics); PubMed 32721234 (cited by AiLife Diagnostics); PubMed 32528171 (cited by AiLife Diagnostics); PubMed 28694071 (cited by AiLife Diagnostics); PubMed 30275481 (cited by AiLife Diagnostics); PubMed 7668832 (cited by Dasa); PubMed 11071489 (cited by Dasa); PubMed 16433701 (cited by Dasa); PubMed 17723315 (cited by Dasa); PubMed 17643989 (cited by Dasa); PubMed 18607768 (cited by Dasa); PubMed 19588081 (cited by Dasa); PubMed 20350966 (cited by Dasa); PubMed 21550241 (cited by Dasa); PubMed 20559845 (cited by Dasa); PubMed 16702877 (cited by Myriad Genetics, Inc.); PubMed 32860008 (cited by CENTOGENE GmbH and LLC - Guiding Precision Medicine); PubMed 30655185 (cited by OMIM); NCBI Bookshelf NBK1261 (cited by GeneReviews); PubMed 27649523 (cited by Laboratorio de Medicina Genomica, Hospital General de Culiacan).